The following is an entry in ClinVar:

ClinVar aggregate classification (germline): Uncertain significance (1 of 4 stars; one submission).

Conditions:
Neonatal-onset encephalopathy with rigidity and seizures. Also called: Lethal neonatal spasticity-epileptic encephalopathy syndrome. Identifiers: Orphanet 435845, MedGen C3281029, MONDO:0013784, OMIM 614498.

Allele frequency attached by ClinVar (database versions not stated): gnomAD exomes below 0.00001.
gnomAD v4.1: 1 of 1,612,816 alleles (0.000062%); highest among the groups gnomAD compares: Non-Finnish European, 0.000085%; no homozygotes.

Submission:

Labcorp Genetics (formerly Invitae), Labcorp
Classification: Uncertain significance for Neonatal-onset encephalopathy with rigidity and seizures. Last evaluated: 2018-02-15. Review status: criteria provided, single submitter. Criteria: Invitae Variant Classification Sherloc (09022015). Collection method: clinical testing. Allele origin: germline.
Comment: This sequence change replaces threonine with alanine at codon 349 of the BRAT1 protein (p.Thr349Ala). The threonine residue is weakly conserved and there is a small physicochemical difference between threonine and alanine. In summary, the available evidence is currently insufficient to determine the role of this variant in disease. Therefore, it has been classified as a Variant of Uncertain Significance. Algorithms developed to predict the effect of missense changes on protein structure and function output the following: SIFT: "Tolerated"; PolyPhen-2: "Benign"; Align-GVGD: "Class C0". The alanine amino acid residue is found in multiple mammalian species, suggesting that this missense change does not adversely affect protein function. These predictions have not been confirmed by published functional studies and their clinical significance is uncertain. This variant has not been reported in the literature in individuals with BRAT1-related disease. This variant is not present in population databases (ExAC no frequency).

NM_152743.4(BRAT1):c.1045A>G (p.Thr349Ala)

Gene: BRAT1 (BRCA1 associated ATM activator 1; minus strand). Cytogenetic location: 7p22.3.
Variant type: single nucleotide variant.
Coding change: c.1045A>G on transcript NM_152743.4 (MANE Select); coding-DNA position 1045, A replaced by G.
Protein change: p.Thr349Ala; replaces threonine 349 with alanine.
Molecular consequence: missense variant. On other transcripts: non-coding transcript variant (1).
Genome position (GRCh38, 1-based): chr7:2,541,807, T>C on the plus strand (A>G on the coding strand, the complement: BRAT1 is on the minus strand). VCF-style: chr7-2541807-T-C. GRCh37 (hg19) VCF-style: chr7-2581441-T-C.
Other names: c.1045A>G, p.Thr349Ala (NM_001350626.2); c.520A>G, p.Thr174Ala (NM_001350627.2); short protein forms T349A, T174A.
Identifiers: ClinVar variation 575080 (VCV000575080.8), dbSNP rs1562574703, ClinGen allele CA366629914.